The following is an entry in ClinVar:

ClinVar aggregate classification (germline): Uncertain significance (1 of 4 stars; one submission).

Allele frequency attached by ClinVar (database versions not stated): gnomAD exomes below 0.00001; gnomAD 0.00001; TOPMed 0.00001.
gnomAD v4.1: 1 of 1,614,056 alleles (0.000062%); highest among the groups gnomAD compares: African/African-American, 0.0013%; no homozygotes.

Submission:

Labcorp Genetics (formerly Invitae), Labcorp
Classification: Uncertain significance. Last evaluated: 2025-01-06. Review status: criteria provided, single submitter. Criteria: Invitae Variant Classification Sherloc (09022015). Collection method: clinical testing. Allele origin: germline.
Comment: This sequence change replaces alanine, which is neutral and non-polar, with proline, which is neutral and non-polar, at codon 360 of the AGBL5 protein (p.Ala360Pro). This variant is present in population databases (no rsID available, gnomAD 0.007%). This variant has not been reported in the literature in individuals affected with AGBL5-related conditions. ClinVar contains an entry for this variant (Variation ID: 1495429). An algorithm developed to predict the effect of missense changes on protein structure and function (PolyPhen-2) suggests that this variant is likely to be disruptive. In summary, the available evidence is currently insufficient to determine the role of this variant in disease. Therefore, it has been classified as a Variant of Uncertain Significance.

NM_021831.6(AGBL5):c.1078G>C (p.Ala360Pro)

Gene: AGBL5 (AGBL carboxypeptidase 5; plus strand). Cytogenetic location: 2p23.3.
Variant type: single nucleotide variant.
Coding change: c.1078G>C on transcript NM_021831.6 (MANE Select); coding-DNA position 1078, G replaced by C.
Protein change: p.Ala360Pro; replaces alanine 360 with proline.
Molecular consequence: missense variant. On other transcripts: non-coding transcript variant (2).
Genome position (GRCh38, 1-based): chr2:27,055,851, G>C. VCF-style: chr2-27055851-G-C. GRCh37 (hg19) VCF-style: chr2-27278719-G-C.
Other names: c.1078G>C, p.Ala360Pro (NM_001035507.3); short protein forms A360P.
Identifiers: ClinVar variation 1495429 (VCV001495429.8), dbSNP rs1487220446, ClinGen allele CA346179042.